The following is an entry in ClinVar:

NM_138459.5(NUS1):c.29_52dup (p.Cys17_Leu18insArgValLeuHisAlaLeuLeuCys)

Gene: NUS1 (NUS1 dehydrodolichyl diphosphate synthase subunit; plus strand). Cytogenetic location: 6q22.1.
Variant type: Duplication.
Coding change: c.29_52dup on transcript NM_138459.5 (MANE Select); coding-DNA positions 29 to 52, 24 bases duplicated (GGGTGCTGCACGCGCTGCTCTGTC).
Protein change: p.Cys17_Leu18insArgValLeuHisAlaLeuLeuCys.
Molecular consequence: inframe insertion.
Genome position (GRCh38, 1-based): chr6:117,675,699-117,675,722, GGGTGCTGCACGCGCTGCTCTGTC duplicated; duplicating any 24 consecutive bases within chr6:117,675,698-117,675,722 gives the same sequence; the c. name uses the placement nearest the transcript's 3' end. VCF-style (leftmost placement, unchanged base first): chr6-117675697-G-GCGGGTGCTGCACGCGCTGCTCTGT. GRCh37 (hg19) VCF-style: chr6-117996860-G-GCGGGTGCTGCACGCGCTGCTCTGT.
Identifiers: ClinVar variation 2722840 (VCV002722840.3), dbSNP rs2481982311, ClinGen allele CA2697553656.

ClinVar aggregate classification (germline): Uncertain significance (1 of 4 stars; one submission).

Conditions:
Congenital disorder of glycosylation, type Iaa. Also called: Congenital disorder of glycosylation, type 1aa. Identifiers: MedGen C4310727, MONDO:0014904, OMIM 617082.

Submission:

Labcorp Genetics (formerly Invitae), Labcorp
Classification: Uncertain significance for Congenital disorder of glycosylation, type Iaa. Last evaluated: 2023-03-17. Review status: criteria provided, single submitter. Criteria: Invitae Variant Classification Sherloc (09022015). Collection method: clinical testing. Allele origin: germline.
Comment: This variant, c.29_52dup, results in the insertion of 8 amino acid(s) of the NUS1 protein (p.Arg10_Cys17dup), but otherwise preserves the integrity of the reading frame. This variant is not present in population databases (gnomAD no frequency). In summary, the available evidence is currently insufficient to determine the role of this variant in disease. Therefore, it has been classified as a Variant of Uncertain Significance. This variant has not been reported in the literature in individuals affected with NUS1-related conditions.